The following is an entry in ClinVar:

ClinVar aggregate classification (germline): Uncertain significance (1 of 4 stars; one submission).

Submission:

GeneDx
Classification: Uncertain significance. Last evaluated: 2024-07-15. Review status: criteria provided, single submitter. Criteria: GeneDx Variant Classification Process June 2021. Collection method: clinical testing. Allele origin: germline. Affected: yes.
Comment: Has not been previously published as pathogenic or benign to our knowledge; Not observed at significant frequency in large population cohorts (gnomAD); Although located in a calcium-binding EGF-like domain of the FBN2 gene, it does not substitute or introduce a cysteine residue (PMID: 19006240, 18767143); In silico analysis indicates that this missense variant does not alter protein structure/function; This variant is associated with the following publications: (PMID: 19006240, 18767143)

NM_001999.4(FBN2):c.5170A>C (p.Met1724Leu)

Gene: FBN2 (fibrillin 2; minus strand). Cytogenetic location: 5q23.3.
Variant type: single nucleotide variant.
Coding change: c.5170A>C on transcript NM_001999.4 (MANE Select); coding-DNA position 5170, A replaced by C.
Protein change: p.Met1724Leu; replaces methionine 1724 with leucine.
Molecular consequence: missense variant.
Genome position (GRCh38, 1-based): chr5:128,310,013, T>G on the plus strand (A>C on the coding strand, the complement: FBN2 is on the minus strand). VCF-style: chr5-128310013-T-G. GRCh37 (hg19) VCF-style: chr5-127645705-T-G.
Other names: short protein forms M1724L.
Identifiers: ClinVar variation 3573727 (VCV003573727.1).